The following is an entry in ClinVar:

ClinVar aggregate classification (germline): Uncertain significance (1 of 4 stars; one submission).

Conditions:
Hereditary cancer-predisposing syndrome. Also called: Neoplastic Syndromes, Hereditary; Tumor predisposition; Hereditary neoplastic syndrome; Hereditary Cancer Syndrome. Identifiers: Orphanet 140162, MedGen C0027672, MeSH D009386, MONDO:0015356.

Submission:

Ambry Genetics
Classification: Uncertain significance for Hereditary cancer-predisposing syndrome. Last evaluated: 2026-07-24. Review status: criteria provided, single submitter. Criteria: Ambry Variant Classification Scheme 2023. Collection method: clinical testing. Allele origin: germline.
Comment: The p.D395V variant (also known as c.1184A>T), located in coding exon 9 of the BMPR1A gene, results from an A to T substitution at nucleotide position 1184. The aspartic acid at codon 395 is replaced by valine, an amino acid with highly dissimilar properties. This amino acid position is conserved. In addition, this alteration is predicted to be deleterious by in silico analysis. Based on the available evidence, the clinical significance of this variant remains unclear.

NM_004329.3(BMPR1A):c.1184A>T (p.Asp395Val)

Gene: BMPR1A (bone morphogenetic protein receptor type 1A; plus strand). Cytogenetic location: 10q23.2.
Variant type: single nucleotide variant.
Coding change: c.1184A>T on transcript NM_004329.3 (MANE Select); coding-DNA position 1184, A replaced by T.
Protein change: p.Asp395Val; replaces aspartic acid 395 with valine.
Molecular consequence: missense variant. On other transcripts: non-coding transcript variant (3).
Genome position (GRCh38, 1-based): chr10:86,921,537, A>T. VCF-style: chr10-86921537-A-T. GRCh37 (hg19) VCF-style: chr10-88681294-A-T.
Other names: c.1184A>T, p.Asp395Val (NM_001406578.1, NM_001406579.1, NM_001406580.1 and 19 more transcripts); c.1178A>T, p.Asp393Val (NM_001406583.1); c.1100A>T, p.Asp367Val (NM_001406584.1, NM_001406585.1, NM_001406586.1 and 2 more transcripts); c.1259A>T, p.Asp420Val (NM_001406559.1); c.1232A>T, p.Asp411Val (NM_001406560.1); c.842A>T, p.Asp281Val (NM_001406589.1); short protein forms D281V, D395V, D420V, D393V, D411V, D367V.
Identifiers: ClinVar variation 5033034 (VCV005033034.1).